The following is an entry in ClinVar:

ClinVar aggregate classification (germline): Pathogenic (1 of 4 stars; one submission).

Submission:

Labcorp Genetics (formerly Invitae), Labcorp
Classification: Pathogenic. Last evaluated: 2023-03-17. Review status: criteria provided, single submitter. Criteria: Invitae Variant Classification Sherloc (09022015). Collection method: clinical testing. Allele origin: germline.
Comment: For these reasons, this variant has been classified as Pathogenic. This variant has not been reported in the literature in individuals affected with USH2A-related conditions. This variant is not present in population databases (gnomAD no frequency). This sequence change creates a premature translational stop signal (p.Ser2546*) in the USH2A gene. It is expected to result in an absent or disrupted protein product. Loss-of-function variants in USH2A are known to be pathogenic (PMID: 10729113, 10909849, 20507924, 25649381).

Literature cited by the submitters: PubMed 10729113; PubMed 10909849; PubMed 20507924; PubMed 25649381.

NM_206933.4(USH2A):c.7637del (p.Lys2545_Ser2546insTer)

Gene: USH2A (usherin; minus strand). Cytogenetic location: 1q41.
Variant type: Deletion.
Coding change: c.7637del on transcript NM_206933.4 (MANE Select); coding-DNA position 7637, one base deleted (C; older notation c.7637delC).
Protein change: p.Lys2545_Ser2546insTer.
Molecular consequence: nonsense.
Genome position (GRCh38, 1-based): chr1:215,889,012, G deleted on the plus strand (C on the coding strand, the reverse complement: USH2A is on the minus strand). VCF-style (leftmost placement, unchanged base first): chr1-215889011-TG-T. GRCh37 (hg19) VCF-style: chr1-216062353-TG-T.
Identifiers: ClinVar variation 2846521 (VCV002846521.3), dbSNP rs2464751128, ClinGen allele CA2739275599.